The following is an entry in ClinVar:

ClinVar aggregate classification (germline): Pathogenic/Likely pathogenic. Review status: criteria provided, multiple submitters, no conflicts (2 of 4 stars). 5 submissions from 5 submitters: Pathogenic (2); Likely pathogenic (2). 1 of the submissions does not count toward it. Last evaluated 2025-12-08.

Conditions:
Schimke immuno-osseous dysplasia (SIOD). Also called: Schimke Immunoosseous Dysplasia. Identifiers: Orphanet 1830, MedGen C0877024, MONDO:0009458, OMIM 242900.

Allele frequency attached by ClinVar (database versions not stated): gnomAD 0.00001; TOPMed 0.00001; gnomAD exomes 0.00001; ExAC 0.00001.
gnomAD v4.1: 10 of 1,614,024 alleles (0.00062%); highest among the groups gnomAD compares: East Asian, 0.0045%; no homozygotes.

Submissions (5):

Natera, Inc.
Classification: Likely pathogenic for Schimke immuno-osseous dysplasia. Last evaluated: 2025-12-08. Review status: criteria provided, single submitter. Criteria: Natera Variant Classification Schema (03/2026). Collection method: clinical testing. Allele origin: germline.
Comment: The c.1933C>T variant in SMARCAL1 is a missense variant predicted to cause substitution of arginine to cysteine at amino acid 645. This variant is rare in the general population with a frequency below the threshold expected for the associated phenotype(s). This variant has been observed in one or more individuals affected with the associated recessive disease, as either homozygous or compound heterozygous with a second variant (PMID: 37662493, 17089404, 31275356, 33900868). Computational prediction algorithms indicate this variant is likely to affect gene or protein function. Given the available evidence, this variant is classified as Likely Pathogenic.

Fulgent Genetics
Classification: Likely pathogenic for Schimke immuno-osseous dysplasia. Last evaluated: 2024-05-01. Review status: criteria provided, single submitter. Criteria: ACMG Guidelines, 2015. Collection method: clinical testing. Allele origin: germline.

Labcorp Genetics (formerly Invitae), Labcorp
Classification: Pathogenic for Schimke immuno-osseous dysplasia. Last evaluated: 2023-10-05. Review status: criteria provided, single submitter. Criteria: Invitae Variant Classification Sherloc (09022015). Collection method: clinical testing. Allele origin: germline.
Comment: This sequence change replaces arginine, which is basic and polar, with cysteine, which is neutral and slightly polar, at codon 645 of the SMARCAL1 protein (p.Arg645Cys). This variant is present in population databases (rs119473037, gnomAD 0.02%). This missense change has been observed in individuals with Schimke immuno-osseous dysplasia (PMID: 11799392, 22998683, 25748404). ClinVar contains an entry for this variant (Variation ID: 4175). Advanced modeling of protein sequence and biophysical properties (such as structural, functional, and spatial information, amino acid conservation, physicochemical variation, residue mobility, and thermodynamic stability) performed at Invitae indicates that this missense variant is expected to disrupt SMARCAL1 protein function. Experimental studies have shown that this missense change affects SMARCAL1 function (PMID: 18805831). For these reasons, this variant has been classified as Pathogenic.

Juno Genomics, Hangzhou Juno Genomics, Inc
Classification: Pathogenic for Schimke immuno-osseous dysplasia. Review status: criteria provided, single submitter. Criteria: ACMG Guidelines, 2015. Collection method: clinical testing. Allele origin: germline.
Comment: Absent from controls (or at extremely low frequency if recessive) in Genome Aggregation Database.;Well-established in vitro or in vivo functional studies supportive of a damaging effect on the gene or gene product.;For recessive disorders, detected in trans with a pathogenic variant.;Patient's phenotype or family history is highly specific for a disease with a single genetic etiology.

OMIM
Classification: Pathogenic for SCHIMKE IMMUNOOSSEOUS DYSPLASIA. Last evaluated: 2002-02-01. Review status: no assertion criteria provided. Collection method: literature only. Allele origin: germline. Not counted in ClinVar's aggregate classification.

Literature cited by the submitters: PubMed 37662493 (cited by Natera, Inc.); PubMed 17089404 (cited by Natera, Inc.); PubMed 31275356 (cited by Natera, Inc.); PubMed 33900868 (cited by Natera, Inc.); PubMed 11799392 (cited by Labcorp Genetics (formerly Invitae), Labcorp and OMIM); PubMed 22998683 (cited by Labcorp Genetics (formerly Invitae), Labcorp); PubMed 25748404 (cited by Labcorp Genetics (formerly Invitae), Labcorp); PubMed 18805831 (cited by Labcorp Genetics (formerly Invitae), Labcorp).

NM_014140.4(SMARCAL1):c.1933C>T (p.Arg645Cys)

Gene: SMARCAL1 (SNF2 related chromatin remodeling annealing helicase 1; plus strand). Cytogenetic location: 2q35.
Variant type: single nucleotide variant.
Coding change: c.1933C>T on transcript NM_014140.4 (MANE Select); coding-DNA position 1933, C replaced by T.
Protein change: p.Arg645Cys; replaces arginine 645 with cysteine.
Molecular consequence: missense variant.
Genome position (GRCh38, 1-based): chr2:216,450,927, C>T. VCF-style: chr2-216450927-C-T. GRCh37 (hg19) VCF-style: chr2-217315650-C-T.
Other names: c.1933C>T, p.Arg645Cys (NM_001127207.2); short protein forms R645C.
Identifiers: ClinVar variation 4175 (VCV000004175.13), dbSNP rs119473037, ClinGen allele CA253029.